The following is an entry in ClinVar:

ClinVar aggregate classification (germline): Uncertain significance (1 of 4 stars; one submission).

Allele frequency attached by ClinVar (database versions not stated): TOPMed 0.00001.

Submission:

GeneDx
Classification: Uncertain significance. Last evaluated: 2023-01-19. Review status: criteria provided, single submitter. Criteria: GeneDx Variant Classification Process June 2021. Collection method: clinical testing. Allele origin: germline. Affected: yes.
Comment: Not observed at significant frequency in large population cohorts (gnomAD); In silico analysis supports that this missense variant has a deleterious effect on protein structure/function; Has not been previously published as pathogenic or benign to our knowledge

NM_144508.5(KNL1):c.5965G>A (p.Gly1989Arg)

Gene: KNL1 (kinetochore scaffold 1; plus strand). Cytogenetic location: 15q15.1.
Variant type: single nucleotide variant.
Coding change: c.5965G>A on transcript NM_144508.5 (MANE Select); coding-DNA position 5965, G replaced by A.
Protein change: p.Gly1989Arg; replaces glycine 1989 with arginine.
Molecular consequence: missense variant.
Genome position (GRCh38, 1-based): chr15:40,645,731, G>A. VCF-style: chr15-40645731-G-A. GRCh37 (hg19) VCF-style: chr15-40937929-G-A.
Other names: c.6043G>A, p.Gly2015Arg (NM_170589.5); short protein forms G1989R, G2015R.
Identifiers: ClinVar variation 2573703 (VCV002573703.1), dbSNP rs1893364044, ClinGen allele CA391772530.
Genomic context (GRCh38, chr15:40,645,731, plus strand): 5'-ATTTATCTTAACAAAATAAAGTCATGTTTTACCAAGATGACTAAAGTCTTCACTCACCAA[G>A]GAAAAGTGGCTCTGTATGGCAAGCTGGTGCAGTCAGCTCAGGTAATTTGAGACAGTTAAT-3'
Protein context (NP_653091.3, residues 1979-1999): TKMTKVFTHQ[Gly1989Arg]KVALYGKLVQ